The following is an entry in ClinVar:

NM_004393.6(DAG1):c.1911del (p.Phe637fs)

Gene: DAG1 (dystroglycan 1; plus strand). Cytogenetic location: 3p21.31.
Variant type: Deletion.
Coding change: c.1911del on transcript NM_004393.6 (MANE Select); coding-DNA position 1911, one base deleted (T; older notation c.1911delT).
Protein change: p.Phe637fs; shifts the reading frame from phenylalanine 637.
Molecular consequence: frameshift variant.
Genome position (GRCh38, 1-based): chr3:49,532,422, T deleted; the last of 3 consecutive T bases (chr3:49,532,420-49,532,422); deleting any one gives the same sequence. VCF-style (leftmost placement, unchanged base first): chr3-49532419-CT-C. GRCh37 (hg19) VCF-style: chr3-49569852-CT-C.
Other names: c.1911del, p.Phe637fs (NM_001165928.4, NM_001177634.3, NM_001177635.3 and 9 more transcripts); short protein forms F637fs.
Identifiers: ClinVar variation 1489724 (VCV001489724.7), dbSNP rs2107946182, ClinGen allele CA2573137185.
Genomic context (GRCh38, chr3:49,532,419, plus strand): 5'-GGCACTGGTGTTGAATGACATCCACAAGAAGATTGCCTTGGTAAAGAAACTGGCCTTCGC[CT>C]TTGGAGACCGAAACTGTAGCACCATCACCCTGCAGAATATCACCCGGGGCTCCATCGTGG-3'

ClinVar aggregate classification (germline): Uncertain significance (1 of 4 stars; one submission).

Conditions:
Autosomal recessive limb-girdle muscular dystrophy type 2P. Also called: MUSCULAR DYSTROPHY-DYSTROGLYCANOPATHY, LIMB-GIRDLE, DAG1-RELATED; MUSCULAR DYSTROPHY, LIMB-GIRDLE, TYPE 2P; Limb-Girdle Muscular Dystrophy Type 9C. Identifiers: Orphanet 280333, MedGen C4511963, MONDO:0013440, OMIM 613818.
Muscular dystrophy-dystroglycanopathy (congenital with brain and eye anomalies), type A9. Also called: WALKER-WARBURG SYNDROME OR MUSCLE-EYE BRAIN DISEASE, DAG1-RELATED; Muscular dystrophy-dystroglycanopathy (congenital with brain and eye anomalies), type a, 9. Identifiers: Orphanet 370997, Orphanet 899, MedGen C4225291, MONDO:0014683, OMIM 616538.

Submission:

Labcorp Genetics (formerly Invitae), Labcorp
Classification: Uncertain significance for Autosomal recessive limb-girdle muscular dystrophy type 2P; Muscular dystrophy-dystroglycanopathy (congenital with brain and eye anomalies), type A9. Last evaluated: 2023-11-06. Review status: criteria provided, single submitter. Criteria: Invitae Variant Classification Sherloc (09022015). Collection method: clinical testing. Allele origin: germline.
Comment: This sequence change creates a premature translational stop signal (p.Phe637Leufs*41) in the DAG1 gene. While this is not anticipated to result in nonsense mediated decay, it is expected to disrupt the last 259 amino acid(s) of the DAG1 protein. This variant is not present in population databases (gnomAD no frequency). This variant has not been reported in the literature in individuals affected with DAG1-related conditions. ClinVar contains an entry for this variant (Variation ID: 1489724). Experimental studies and prediction algorithms are not available or were not evaluated, and the functional significance of this variant is currently unknown. In summary, the available evidence is currently insufficient to determine the role of this variant in disease. Therefore, it has been classified as a Variant of Uncertain Significance.